The following is an entry in ClinVar:

ClinVar aggregate classification (germline): Pathogenic (1 of 4 stars; one submission).

Submission:

CeGaT Center for Human Genetics Tuebingen
Classification: Pathogenic. Last evaluated: 2026-02-01. Review status: criteria provided, single submitter. Criteria: CeGaT Center For Human Genetics Tuebingen Variant Classification Criteria Version 2. Collection method: clinical testing. Allele origin: germline. Affected: yes. Observed: 1 variant allele.
Comment: SPG11: PVS1, PM2

NM_025137.4(SPG11):c.5121+1G>T

Gene: SPG11 (SPG11 vesicle trafficking associated, spatacsin; minus strand). Cytogenetic location: 15q21.1.
Variant type: single nucleotide variant.
Coding change: c.5121+1G>T on transcript NM_025137.4 (MANE Select); the canonical splice donor site of the intron after coding-DNA position 5121, G replaced by T.
Molecular consequence: splice donor variant.
Genome position (GRCh38, 1-based): chr15:44,585,635, C>A on the plus strand (G>T on the coding strand, the complement: SPG11 is on the minus strand). VCF-style: chr15-44585635-C-A. GRCh37 (hg19) VCF-style: chr15-44877833-C-A.
Other names: c.5121+1G>T (NM_001411132.1, NM_001160227.2).
Identifiers: ClinVar variation 4823188 (VCV004823188.4).
Genomic context (GRCh38, chr15:44,585,635, plus strand): 5'-CTGGGTGACAGAGCAAGACCCCGTATCTAAAAAAAAAAAAAAAAAAAAAGACCGATGATA[C>A]CTCTTTAATAACCAAGTTGTCCACAGGTAACTCAGCTAATTCTGCTACCCTCCTGGCCAA-3'